The following is an entry in ClinVar:

NM_004629.2(FANCG):c.382G>T (p.Ala128Ser)

Gene: FANCG (FA complementation group G; minus strand). Cytogenetic location: 9p13.3.
Variant type: single nucleotide variant.
Coding change: c.382G>T on transcript NM_004629.2 (MANE Select); coding-DNA position 382, G replaced by T.
Protein change: p.Ala128Ser; replaces alanine 128 with serine.
Molecular consequence: missense variant.
Genome position (GRCh38, 1-based): chr9:35,078,269, C>A on the plus strand (G>T on the coding strand, the complement: FANCG is on the minus strand). VCF-style: chr9-35078269-C-A. GRCh37 (hg19) VCF-style: chr9-35078266-C-A.
Other names: short protein forms A128S.
Identifiers: ClinVar variation 4844152 (VCV004844152.1).

ClinVar aggregate classification (germline): Uncertain significance (1 of 4 stars; one submission).

Conditions:
Inborn genetic diseases. Identifiers: MedGen C0950123, MeSH D030342.

Submission:

Ambry Genetics
Classification: Uncertain significance for Inborn genetic diseases. Last evaluated: 2026-02-13. Review status: criteria provided, single submitter. Criteria: Ambry Variant Classification Scheme 2023. Collection method: clinical testing. Allele origin: germline.
Comment: The p.A128S variant (also known as c.382G>T), located in coding exon 4 of the FANCG gene, results from a G to T substitution at nucleotide position 382. The alanine at codon 128 is replaced by serine, an amino acid with similar properties. This amino acid position is conserved. In addition, this alteration is predicted to be tolerated by in silico analysis. Based on the available evidence, the clinical significance of this variant remains unclear.